The following is an entry in ClinVar:

NM_170784.3(MKKS):c.1A>T (p.Met1Leu)

Gene: MKKS (MKKS centrosomal shuttling protein; minus strand). Cytogenetic location: 20p12.2.
Variant type: single nucleotide variant.
Coding change: c.1A>T on transcript NM_170784.3 (MANE Select); coding-DNA position 1, A replaced by T.
Protein change: p.Met1Leu; changes the start codon (methionine 1).
Molecular consequence: missense variant, initiator codon variant.
Genome position (GRCh38, 1-based): chr20:10,413,514, T>A on the plus strand (A>T on the coding strand, the complement: MKKS is on the minus strand). VCF-style: chr20-10413514-T-A. GRCh37 (hg19) VCF-style: chr20-10394162-T-A.
Other names: c.1A>T, p.Met1Leu (NM_018848.3); short protein forms M1L.
Identifiers: ClinVar variation 4991051 (VCV004991051.1).

ClinVar aggregate classification (germline): Likely pathogenic (1 of 4 stars; one submission).

Conditions:
MKKS-related disorder. Also called: MKKS-related disorders; MKKS-related condition.

Submission:

PreventionGenetics, part of Exact Sciences
Classification: Likely pathogenic for MKKS-related condition. Last evaluated: 2026-09-21. Review status: criteria provided, single submitter. Criteria: ACMG Guidelines, 2015. Collection method: clinical testing. Allele origin: germline.
Comment: The MKKS c.1A>T variant is predicted to disrupt the translation initiation site (Start Loss). To our knowledge, this variant has not been reported in the literature or in a large population database (gnomAD), indicating this variant is rare. Alternate variants resulting in a start loss at this codon have been reported in individuals with Bardet-Biedl syndrome (c.2T>G in Karmous-Benailly et al. 2005. PubMed ID: 15666242; c.3G>A in Bonnefond et al. 2014. PubMed ID: 24041679 ). This variant is interpreted as likely pathogenic.